The following is an entry in ClinVar:

NM_004006.3(DMD):c.5048C>G (p.Thr1683Ser)

Gene: DMD (dystrophin; minus strand). Cytogenetic location: Xp21.1.
Variant type: single nucleotide variant.
Coding change: c.5048C>G on transcript NM_004006.3 (MANE Select); coding-DNA position 5048, C replaced by G.
Protein change: p.Thr1683Ser; replaces threonine 1683 with serine.
Molecular consequence: missense variant.
Genome position (GRCh38, 1-based): chrX:32,364,688, G>C on the plus strand (C>G on the coding strand, the complement: DMD is on the minus strand). VCF-style: chrX-32364688-G-C. GRCh37 (hg19) VCF-style: chrX-32382805-G-C.
Other names: c.5024C>G, p.Thr1675Ser (NM_000109.4); c.5036C>G, p.Thr1679Ser (NM_004009.3); c.4679C>G, p.Thr1560Ser (NM_004010.3); c.1025C>G, p.Thr342Ser (NM_004011.4); c.1016C>G, p.Thr339Ser (NM_004012.4); short protein forms T1683S, T1560S, T1675S, T339S, T1679S, T342S.
Identifiers: ClinVar variation 264223 (VCV000264223.19), dbSNP rs146420425, ClinGen allele CA10378782.
Genomic context (GRCh38, chrX:32,364,688, plus strand): 5'-TCCAAAAGTGTGTCAGCCTGAATGATCCACTTTGTGATGTGGTCCACATTCTGGTCAAAA[G>C]TTTCCATGTGTTTCTGGTATTCCTTAATTGTACAGAGACATACCATGGCATTATTGGTTA-3'
Protein context (NP_003997.2, residues 1673-1693): LLLEYQKHME[Thr1683Ser]FDQNVDHITK

ClinVar aggregate classification (germline): Benign/Likely benign. Review status: criteria provided, multiple submitters, no conflicts (2 of 4 stars). 5 submissions from 5 submitters: Benign (1); Likely benign (3). 1 of the submissions does not count toward it. Last evaluated 2026-08-20.

Conditions:
Dystrophin deficiency.
Duchenne muscular dystrophy (DMD). Also called: Duchenne Muscular Dystrophy (DMD); MUSCULAR DYSTROPHY, PSEUDOHYPERTROPHIC PROGRESSIVE, DUCHENNE TYPE. Identifiers: Orphanet 98896, MedGen C0013264, MONDO:0010679, OMIM 310200.
Cardiomyopathy (CMYO). Also called: Cardiomyopathies. Identifiers: Orphanet 167848, MedGen C0878544, MONDO:0004994, HP:0001638. Inheritance: Various modes of inheritance.
Becker muscular dystrophy (BMD). Also called: MUSCULAR DYSTROPHY, PSEUDOHYPERTROPHIC PROGRESSIVE, BECKER TYPE; Becker Muscular Dystrophy (BMD). Identifiers: Orphanet 98895, MedGen C0917713, MONDO:0010311, OMIM 300376.
DMD-related disorder. Also called: DMD-related condition.
Cardiovascular phenotype. Identifiers: MedGen CN230736.
Dilated cardiomyopathy 3B (CMD3B). Also called: CMD3B: DMD-Related Dilated Cardiomyopathy; CARDIOMYOPATHY, DILATED, X-LINKED; DMD-Associated Dilated Cardiomyopathy. Identifiers: Orphanet 154, MedGen C3668940, MONDO:0010542, OMIM 302045.

Allele frequency attached by ClinVar (database versions not stated): gnomAD exomes 0.00001 and 0.00007; ExAC 0.00009; gnomAD 0.00009 and 0.00010; TOPMed 0.00022; ESP Exome Variant Server 0.00028.
gnomAD v4.1: 24 of 1,206,966 alleles (0.002%); highest among the groups gnomAD compares: African/African-American, 0.032%; no homozygotes.

Submissions (5):

PreventionGenetics, part of Exact Sciences
Classification: Likely benign for DMD-related condition. Last evaluated: 2026-08-20. Review status: criteria provided, single submitter. Criteria: ACMG Guidelines, 2015. Collection method: clinical testing. Allele origin: germline.
Comment: This variant is classified as likely benign based on ACMG/AMP sequence variant interpretation guidelines (Richards et al. 2015 PMID: 25741868, with internal and published modifications).

Labcorp Genetics (formerly Invitae), Labcorp
Classification: Benign for Duchenne muscular dystrophy. Last evaluated: 2026-01-27. Review status: criteria provided, single submitter. Criteria: Invitae Variant Classification Sherloc (09022015). Collection method: clinical testing. Allele origin: germline.

Fulgent Genetics
Classification: Likely benign for Becker muscular dystrophy; Dilated cardiomyopathy 3B; Duchenne muscular dystrophy. Last evaluated: 2021-11-15. Review status: criteria provided, single submitter. Criteria: ACMG Guidelines, 2015. Collection method: clinical testing. Allele origin: unknown.

Ambry Genetics
Classification: Likely benign for Cardiovascular phenotype. Last evaluated: 2020-01-16. Review status: criteria provided, single submitter. Criteria: Ambry Variant Classification Scheme 2023. Collection method: clinical testing. Allele origin: germline.

Natera, Inc.
Classification: Likely benign for Becker muscular dystrophy; Cardiomyopathy; Duchenne muscular dystrophy; Dystrophin deficiency. Last evaluated: 2020-10-28. Review status: no assertion criteria provided. Collection method: clinical testing. Allele origin: germline. Not counted in ClinVar's aggregate classification.